The following is an entry in ClinVar:

NM_001375808.2(LPIN2):c.2677G>A (p.Asp893Asn)

Gene: LPIN2 (lipin 2; minus strand). Cytogenetic location: 18p11.31.
Variant type: single nucleotide variant.
Coding change: c.2677G>A on transcript NM_001375808.2 (MANE Select); coding-DNA position 2677, G replaced by A.
Protein change: p.Asp893Asn; replaces aspartic acid 893 with asparagine.
Molecular consequence: missense variant.
Genome position (GRCh38, 1-based): chr18:2,920,307, C>T on the plus strand (G>A on the coding strand, the complement: LPIN2 is on the minus strand). VCF-style: chr18-2920307-C-T. GRCh37 (hg19) VCF-style: chr18-2920305-C-T.
Other names: c.2677G>A, p.Asp893Asn (NM_001375809.1, NM_014646.2); short protein forms D893N.
Identifiers: ClinVar variation 3061070 (VCV003061070.2), dbSNP rs2510238319, ClinGen allele CA401693708.

ClinVar aggregate classification (germline): Uncertain significance (0 of 4 stars; one submission).

Conditions:
LPIN2-related disorder. Also called: LPIN2-related condition.

Allele frequency attached by ClinVar (database versions not stated): gnomAD exomes below 0.00001.
gnomAD v4.1: 1 of 1,614,170 alleles (0.000062%); highest among the groups gnomAD compares: Non-Finnish European, 0.000085%; no homozygotes.

Submission:

PreventionGenetics, part of Exact Sciences
Classification: Uncertain significance for LPIN2-related condition. Last evaluated: 2023-12-23. Review status: no assertion criteria provided. Collection method: clinical testing. Allele origin: germline.
Comment: The LPIN2 c.2677G>A variant is predicted to result in the amino acid substitution p.Asp893Asn. To our knowledge, this variant has not been reported in the literature or in a large population database, indicating this variant is rare. At this time, the clinical significance of this variant is uncertain due to the absence of conclusive functional and genetic evidence.